The following is an entry in ClinVar:

NM_000361.3(THBD):c.283G>A (p.Gly95Ser)

Gene: THBD (thrombomodulin; minus strand). Cytogenetic location: 20p11.21.
Variant type: single nucleotide variant.
Coding change: c.283G>A on transcript NM_000361.3 (MANE Select); coding-DNA position 283, G replaced by A.
Protein change: p.Gly95Ser; replaces glycine 95 with serine.
Molecular consequence: missense variant.
Genome position (GRCh38, 1-based): chr20:23,049,222, C>T on the plus strand (G>A on the coding strand, the complement: THBD is on the minus strand). VCF-style: chr20-23049222-C-T. GRCh37 (hg19) VCF-style: chr20-23029859-C-T.
Other names: short protein forms G95S.
Identifiers: ClinVar variation 2071164 (VCV002071164.4), dbSNP rs1984671790, ClinGen allele CA408408015.

ClinVar aggregate classification (germline): Uncertain significance (1 of 4 stars; one submission).

Allele frequency attached by ClinVar (database versions not stated): TOPMed below 0.00001.

Submission:

Labcorp Genetics (formerly Invitae), Labcorp
Classification: Uncertain significance. Last evaluated: 2022-09-19. Review status: criteria provided, single submitter. Criteria: Invitae Variant Classification Sherloc (09022015). Collection method: clinical testing. Allele origin: germline.
Comment: This variant is not present in population databases (gnomAD no frequency). This sequence change replaces glycine, which is neutral and non-polar, with serine, which is neutral and polar, at codon 95 of the THBD protein (p.Gly95Ser). This variant has not been reported in the literature in individuals affected with THBD-related conditions. In summary, the available evidence is currently insufficient to determine the role of this variant in disease. Therefore, it has been classified as a Variant of Uncertain Significance. Advanced modeling of protein sequence and biophysical properties (such as structural, functional, and spatial information, amino acid conservation, physicochemical variation, residue mobility, and thermodynamic stability) performed at Invitae indicates that this missense variant is not expected to disrupt THBD protein function.